The following is an entry in ClinVar:

ClinVar aggregate classification (germline): Benign/Likely benign. Review status: criteria provided, multiple submitters, no conflicts (2 of 4 stars). 2 submissions from 2 submitters: Benign (1); Likely benign (1). Last evaluated 2026-06-01.

Allele frequency attached by ClinVar (database versions not stated): gnomAD exomes 0.00009 and 0.00019; ExAC 0.00023; ESP Exome Variant Server 0.00077; gnomAD 0.00098 and 0.00103; TOPMed 0.00105; 1000 Genomes Project 30x 0.00141; 1000 Genomes Project 0.00160.
gnomAD v4.1: 281 of 1,614,076 alleles (0.017%); highest among the groups gnomAD compares: African/African-American, 0.33%; no homozygotes.

Submissions (2):

CeGaT Center for Human Genetics Tuebingen
Classification: Likely benign. Last evaluated: 2026-06-01. Review status: criteria provided, single submitter. Criteria: CeGaT Center For Human Genetics Tuebingen Variant Classification Criteria Version 2. Collection method: clinical testing. Allele origin: germline. Affected: yes. Observed: 1 variant allele.
Comment: ROS1: BP4, BP7

Labcorp Genetics (formerly Invitae), Labcorp
Classification: Benign. Last evaluated: 2018-06-13. Review status: criteria provided, single submitter. Criteria: Invitae Variant Classification Sherloc (09022015). Collection method: clinical testing. Allele origin: germline.

NM_001378902.1(ROS1):c.3991T>C (p.Leu1331=)

Gene: ROS1 (ROS proto-oncogene 1, receptor tyrosine kinase; minus strand). Cytogenetic location: 6q22.1.
Variant type: single nucleotide variant.
Coding change: c.3991T>C on transcript NM_001378902.1 (MANE Select); coding-DNA position 3991, T replaced by C.
Protein change: p.Leu1331=; no amino-acid change (leucine 1331 retained).
Molecular consequence: synonymous variant.
Genome position (GRCh38, 1-based): chr6:117,356,764, A>G on the plus strand (T>C on the coding strand, the complement: ROS1 is on the minus strand). VCF-style: chr6-117356764-A-G. GRCh37 (hg19) VCF-style: chr6-117677927-A-G.
Other names: c.3994T>C, p.Leu1332= (NM_001378891.1); c.4006T>C, p.Leu1336= (NM_002944.3).
Identifiers: ClinVar variation 738636 (VCV000738636.5), dbSNP rs145742603, ClinGen allele CA3974810.